The following is an entry in ClinVar:

NM_020822.3(KCNT1):c.1840C>T (p.His614Tyr)

Gene: KCNT1 (potassium sodium-activated channel subfamily T member 1; plus strand). Cytogenetic location: 9q34.3.
Variant type: single nucleotide variant.
Coding change: c.1840C>T on transcript NM_020822.3 (MANE Select); coding-DNA position 1840, C replaced by T.
Protein change: p.His614Tyr; replaces histidine 614 with tyrosine.
Molecular consequence: missense variant.
Genome position (GRCh38, 1-based): chr9:135,770,927, C>T. VCF-style: chr9-135770927-C-T. GRCh37 (hg19) VCF-style: chr9-138662773-C-T.
Other names: c.1705C>T, p.His569Tyr (NM_001272003.2); short protein forms H614Y, H569Y.
Identifiers: ClinVar variation 452470 (VCV000452470.2), dbSNP rs1554775058, ClinGen allele CA375508208.
Genomic context (GRCh38, chr9:135,770,927, plus strand): 5'-TGCCTCATCGGGCTGAAGCGGGAGGACAACAAGAGCATCCTGCTGAACCCGGGGCCCCGG[C>T]ACATCCTGGCCGCCTCTGACACCTGCTTCTACATCAACATCACCAAGGAGGAGAACTCGG-3'
Protein context (NP_065873.2, residues 604-624): KSILLNPGPR[His614Tyr]ILAASDTCFY

ClinVar aggregate classification (germline): Uncertain significance (1 of 4 stars; one submission).

Allele frequency attached by ClinVar (database versions not stated): gnomAD exomes below 0.00001.
gnomAD v4.1: 1 of 1,612,426 alleles (0.000062%); highest among the groups gnomAD compares: Non-Finnish European, 0.000085%; no homozygotes.

Submission:

GeneDx
Classification: Uncertain significance. Last evaluated: 2017-10-06. Review status: criteria provided, single submitter. Criteria: GeneDx Variant Classification (06012015). Collection method: clinical testing. Allele origin: germline. Affected: yes.
Comment: A variant of uncertain significance has been identified in the KCNT1 gene. The H614Y variant has not been published as a pathogenic variant, nor has it been reported as a benign variant to our knowledge. The H614Y variant is not observed in large population cohorts (Lek et al., 2016). The H614Y variant is a non-conservative amino acid substitution, which is likely to impact secondary protein structure as these residues differ in polarity, charge, size and/or other properties. Additionally, this substitution occurs at a position that is conserved across species, and in silico analysis predicts thisvariant is probably damaging to the protein structure/function. Based on the currently availableinformation, it is unclear whether this variant is a pathogenic variant or a rare benign variant.